The following is an entry in ClinVar:

NM_020366.4(RPGRIP1):c.80C>T (p.Ser27Leu)

Gene: RPGRIP1 (RPGR interacting protein 1; plus strand). Cytogenetic location: 14q11.2.
Variant type: single nucleotide variant.
Coding change: c.80C>T on transcript NM_020366.4 (MANE Select); coding-DNA position 80, C replaced by T.
Protein change: p.Ser27Leu; replaces serine 27 with leucine.
Molecular consequence: missense variant.
Genome position (GRCh38, 1-based): chr14:21,288,056, C>T. VCF-style: chr14-21288056-C-T. GRCh37 (hg19) VCF-style: chr14-21756215-C-T.
Other names: short protein forms S27L.
Identifiers: ClinVar variation 1042449 (VCV001042449.6), dbSNP rs569126479, ClinGen allele CA388857073.
Genomic context (GRCh38, chr14:21,288,056, plus strand): 5'-CTACATCAGGAGACTTGCCAGTTAGAGACATAGATGCTATACCTCTGGTGCTACCAGCCT[C>T]AAAAGGTAACTTCTACGCCTGAGGATGGACACCTTTTAGAATTAAAAGAACTCTCACTGT-3'
Protein context (NP_065099.3, residues 17-37): IDAIPLVLPA[Ser27Leu]KGKNMKTQPP

ClinVar aggregate classification (germline): Uncertain significance (1 of 4 stars; one submission).

Conditions:
Leber congenital amaurosis 6 (LCA6). Identifiers: Orphanet 65, MedGen C1854260, MONDO:0013446, OMIM 613826.
Cone-rod dystrophy 13 (CORD13). Identifiers: Orphanet 1872, MedGen C2750720, MONDO:0011987, OMIM 608194.

Allele frequency attached by ClinVar (database versions not stated): gnomAD 0.00001; gnomAD exomes 0.00001; TOPMed 0.00001.
gnomAD v4.1: 8 of 1,608,174 alleles (0.0005%); highest among the groups gnomAD compares: Admixed American, 0.0017%; no homozygotes.

Submission:

Labcorp Genetics (formerly Invitae), Labcorp
Classification: Uncertain significance for Leber congenital amaurosis 6; Cone-rod dystrophy 13. Last evaluated: 2020-12-28. Review status: criteria provided, single submitter. Criteria: Invitae Variant Classification Sherloc (09022015). Collection method: clinical testing. Allele origin: germline.
Comment: In summary, the available evidence is currently insufficient to determine the role of this variant in disease. Therefore, it has been classified as a Variant of Uncertain Significance. Algorithms developed to predict the effect of missense changes on protein structure and function output the following: SIFT: "Tolerated"; PolyPhen-2: "Benign"; Align-GVGD: "Class C0". The leucine amino acid residue is found in multiple mammalian species, suggesting that this missense change does not adversely affect protein function. These predictions have not been confirmed by published functional studies and their clinical significance is uncertain. This variant has not been reported in the literature in individuals with RPGRIP1-related conditions. This variant is not present in population databases (ExAC no frequency). This sequence change replaces serine with leucine at codon 27 of the RPGRIP1 protein (p.Ser27Leu). The serine residue is weakly conserved and there is a large physicochemical difference between serine and leucine.